The following is an entry in ClinVar:

ClinVar aggregate classification (germline): Uncertain significance. Review status: criteria provided, multiple submitters, no conflicts (2 of 4 stars). 3 submissions from 3 submitters: Uncertain significance (2). 1 of the submissions does not count toward it. Last evaluated 2024-08-04.

Conditions:
Cardiovascular phenotype. Identifiers: MedGen CN230736.
Walker-Warburg congenital muscular dystrophy. Also called: Muscular dystrophy-dystroglycanopathy, type A; Walker-Warburg syndrome. Identifiers: Orphanet 899, MedGen C0265221, MONDO:0000171.

Allele frequency attached by ClinVar (database versions not stated): TOPMed 0.00002; ESP Exome Variant Server 0.00008.

Submissions (3):

Ambry Genetics
Classification: Uncertain significance for Cardiovascular phenotype. Last evaluated: 2024-08-04. Review status: criteria provided, single submitter. Criteria: Ambry Variant Classification Scheme 2023. Collection method: clinical testing. Allele origin: germline.

Labcorp Genetics (formerly Invitae), Labcorp
Classification: Uncertain significance for Walker-Warburg congenital muscular dystrophy. Last evaluated: 2022-05-27. Review status: criteria provided, single submitter. Criteria: Invitae Variant Classification Sherloc (09022015). Collection method: clinical testing. Allele origin: germline.
Comment: This sequence change replaces threonine, which is neutral and polar, with isoleucine, which is neutral and non-polar, at codon 402 of the FKTN protein (p.Thr402Ile). This variant is not present in population databases (gnomAD no frequency). This variant has not been reported in the literature in individuals affected with FKTN-related conditions. ClinVar contains an entry for this variant (Variation ID: 578340). Algorithms developed to predict the effect of missense changes on protein structure and function are either unavailable or do not agree on the potential impact of this missense change (SIFT: "Deleterious"; PolyPhen-2: "Possibly Damaging"; Align-GVGD: "Class C0"). In summary, the available evidence is currently insufficient to determine the role of this variant in disease. Therefore, it has been classified as a Variant of Uncertain Significance.

Natera, Inc.
Classification: Uncertain significance for Walker-Warburg congenital muscular dystrophy. Last evaluated: 2020-10-13. Review status: no assertion criteria provided. Collection method: clinical testing. Allele origin: germline. Not counted in ClinVar's aggregate classification.

NM_001079802.2(FKTN):c.1205C>T (p.Thr402Ile)

Gene: FKTN (fukutin; plus strand). Cytogenetic location: 9q31.2.
Variant type: single nucleotide variant.
Coding change: c.1205C>T on transcript NM_001079802.2 (MANE Select); coding-DNA position 1205, C replaced by T.
Protein change: p.Thr402Ile; replaces threonine 402 with isoleucine.
Molecular consequence: missense variant. On other transcripts: synonymous variant (1), non-coding transcript variant (2).
Genome position (GRCh38, 1-based): chr9:105,635,083, C>T. VCF-style: chr9-105635083-C-T. GRCh37 (hg19) VCF-style: chr9-108397364-C-T.
Other names: c.1205C>T, p.Thr402Ile (NM_001198963.2, NM_001351496.2, NM_006731.2); c.1136C>T, p.Thr379Ile (NM_001351497.2); c.1236C>T, p.Asp412= (NM_001351498.2); c.809C>T, p.Thr270Ile (NM_001351499.2, NM_001351500.2, NM_001351501.2 and 1 more transcripts); short protein forms T402I, T379I, T270I.
Identifiers: ClinVar variation 578340 (VCV000578340.13), dbSNP rs371464705, ClinGen allele CA197461940.